The following is an entry in ClinVar:

ClinVar aggregate classification (germline): Uncertain significance (1 of 4 stars; one submission).

Allele frequency attached by ClinVar (database versions not stated): TOPMed below 0.00001.
gnomAD v4.1: 3 of 1,614,024 alleles (0.00019%); highest among the groups gnomAD compares: South Asian, 0.0033%; no homozygotes.

Submission:

Labcorp Genetics (formerly Invitae), Labcorp
Classification: Uncertain significance. Last evaluated: 2022-09-16. Review status: criteria provided, single submitter. Criteria: Invitae Variant Classification Sherloc (09022015). Collection method: clinical testing. Allele origin: germline.
Comment: In summary, the available evidence is currently insufficient to determine the role of this variant in disease. Therefore, it has been classified as a Variant of Uncertain Significance. Algorithms developed to predict the effect of missense changes on protein structure and function output the following: SIFT: "Tolerated"; PolyPhen-2: "Benign"; Align-GVGD: "Class C0". The valine amino acid residue is found in multiple mammalian species, which suggests that this missense change does not adversely affect protein function. This variant has not been reported in the literature in individuals affected with RP1-related conditions. This variant is present in population databases (no rsID available, gnomAD 0.003%). This sequence change replaces glycine, which is neutral and non-polar, with valine, which is neutral and non-polar, at codon 1365 of the RP1 protein (p.Gly1365Val).

NM_006269.2(RP1):c.4094G>T (p.Gly1365Val)

Gene: RP1 (RP1 axonemal microtubule associated; plus strand). Cytogenetic location: 8q12.1.
Variant type: single nucleotide variant.
Coding change: c.4094G>T on transcript NM_006269.2 (MANE Select); coding-DNA position 4094, G replaced by T.
Protein change: p.Gly1365Val; replaces glycine 1365 with valine.
Molecular consequence: missense variant. On other transcripts: intron variant (1).
Genome position (GRCh38, 1-based): chr8:54,627,976, G>T. VCF-style: chr8-54627976-G-T. GRCh37 (hg19) VCF-style: chr8-55540536-G-T.
Other names: c.787+5688G>T (NM_001375654.1); short protein forms G1365V.
Identifiers: ClinVar variation 1718574 (VCV001718574.5), dbSNP rs762999168, ClinGen allele CA370981254.